The following is an entry in ClinVar:

NM_031935.3(HMCN1):c.15763A>C (p.Ile5255Leu)

Gene: HMCN1 (hemicentin 1; plus strand). Cytogenetic location: 1q31.1.
Variant type: single nucleotide variant.
Coding change: c.15763A>C on transcript NM_031935.3 (MANE Select); coding-DNA position 15763, A replaced by C.
Protein change: p.Ile5255Leu; replaces isoleucine 5255 with leucine.
Molecular consequence: missense variant.
Genome position (GRCh38, 1-based): chr1:186,172,080, A>C. VCF-style: chr1-186172080-A-C. GRCh37 (hg19) VCF-style: chr1-186141212-A-C.
Other names: short protein forms I5255L.
Identifiers: ClinVar variation 2981453 (VCV002981453.3), dbSNP rs147875247, ClinGen allele CA1295366.

ClinVar aggregate classification (germline): Uncertain significance (1 of 4 stars; one submission).

Allele frequency attached by ClinVar (database versions not stated): gnomAD 0.00003; ESP Exome Variant Server 0.00008; TOPMed 0.00001; ExAC 0.00002; gnomAD exomes 0.00002.
gnomAD v4.1: 18 of 1,613,776 alleles (0.0011%); highest among the groups gnomAD compares: Non-Finnish European, 0.00025%; no homozygotes.

Submission:

Labcorp Genetics (formerly Invitae), Labcorp
Classification: Uncertain significance. Last evaluated: 2023-11-22. Review status: criteria provided, single submitter. Criteria: Invitae Variant Classification Sherloc (09022015). Collection method: clinical testing. Allele origin: germline.
Comment: This sequence change replaces isoleucine, which is neutral and non-polar, with leucine, which is neutral and non-polar, at codon 5255 of the HMCN1 protein (p.Ile5255Leu). This variant is present in population databases (rs147875247, gnomAD 0.03%). This variant has not been reported in the literature in individuals affected with HMCN1-related conditions. An algorithm developed to predict the effect of missense changes on protein structure and function (PolyPhen-2) suggests that this variant is likely to be disruptive. In summary, the available evidence is currently insufficient to determine the role of this variant in disease. Therefore, it has been classified as a Variant of Uncertain Significance.